The following is an entry in ClinVar:

ClinVar aggregate classification (germline): Uncertain significance. Review status: criteria provided, multiple submitters, no conflicts (2 of 4 stars). 2 submissions from 2 submitters: Uncertain significance (2). Last evaluated 2024-12-03.

Allele frequency attached by ClinVar (database versions not stated): gnomAD 0.00001; TOPMed 0.00002; ExAC 0.00003; gnomAD exomes 0.00004.

Submissions (2):

Labcorp Genetics (formerly Invitae), Labcorp
Classification: Uncertain significance. Last evaluated: 2024-12-03. Review status: criteria provided, single submitter. Criteria: Invitae Variant Classification Sherloc (09022015). Collection method: clinical testing. Allele origin: germline.
Comment: This sequence change replaces arginine, which is basic and polar, with cysteine, which is neutral and slightly polar, at codon 345 of the VPS13D protein (p.Arg345Cys). This variant is present in population databases (rs752551955, gnomAD 0.01%). This variant has not been reported in the literature in individuals affected with VPS13D-related conditions. ClinVar contains an entry for this variant (Variation ID: 1704170). Invitae Evidence Modeling of protein sequence and biophysical properties (such as structural, functional, and spatial information, amino acid conservation, physicochemical variation, residue mobility, and thermodynamic stability) indicates that this missense variant is expected to disrupt VPS13D protein function with a positive predictive value of 80%. In summary, the available evidence is currently insufficient to determine the role of this variant in disease. Therefore, it has been classified as a Variant of Uncertain Significance.

GeneDx
Classification: Uncertain significance. Last evaluated: 2022-02-28. Review status: criteria provided, single submitter. Criteria: GeneDx Variant Classification Process June 2021. Collection method: clinical testing. Allele origin: germline. Affected: yes.
Comment: In silico analysis supports that this missense variant has a deleterious effect on protein structure/function; Has not been previously published as pathogenic or benign to our knowledge

NM_015378.4(VPS13D):c.1033C>T (p.Arg345Cys)

Gene: VPS13D (vacuolar protein sorting 13 homolog D; plus strand). Cytogenetic location: 1p36.22.
Variant type: single nucleotide variant.
Coding change: c.1033C>T on transcript NM_015378.4 (MANE Select); coding-DNA position 1033, C replaced by T.
Protein change: p.Arg345Cys; replaces arginine 345 with cysteine.
Molecular consequence: missense variant.
Genome position (GRCh38, 1-based): chr1:12,258,026, C>T. VCF-style: chr1-12258026-C-T. GRCh37 (hg19) VCF-style: chr1-12318083-C-T.
Other names: c.1033C>T, p.Arg345Cys (NM_018156.4); short protein forms R345C.
Identifiers: ClinVar variation 1704170 (VCV001704170.7), dbSNP rs752551955, ClinGen allele CA601402.